The following is an entry in ClinVar:

NM_001621.5(AHR):c.1988A>C (p.Asn663Thr)

Gene: AHR (aryl hydrocarbon receptor; plus strand). Cytogenetic location: 7p21.1.
Variant type: single nucleotide variant.
Coding change: c.1988A>C on transcript NM_001621.5 (MANE Select); coding-DNA position 1988, A replaced by C.
Protein change: p.Asn663Thr; replaces asparagine 663 with threonine.
Molecular consequence: missense variant.
Genome position (GRCh38, 1-based): chr7:17,339,813, A>C. VCF-style: chr7-17339813-A-C. GRCh37 (hg19) VCF-style: chr7-17379437-A-C.
Other names: short protein forms N663T.
Identifiers: ClinVar variation 1026100 (VCV001026100.8), dbSNP rs114489761, ClinGen allele CA4172216.

ClinVar aggregate classification (germline): Uncertain significance (1 of 4 stars; one submission).

gnomAD v4.1: 4 of 1,614,204 alleles (0.00025%); highest among the groups gnomAD compares: Non-Finnish European, 0.00034%; no homozygotes.

Submission:

Labcorp Genetics (formerly Invitae), Labcorp
Classification: Uncertain significance. Last evaluated: 2020-10-19. Review status: criteria provided, single submitter. Criteria: Invitae Variant Classification Sherloc (09022015). Collection method: clinical testing. Allele origin: germline.
Comment: This sequence change replaces asparagine with threonine at codon 663 of the AHR protein (p.Asn663Thr). The asparagine residue is weakly conserved and there is a small physicochemical difference between asparagine and threonine. This variant is present in population databases (rs114489761, ExAC 0.003%). This variant has not been reported in the literature in individuals with AHR-related conditions. Algorithms developed to predict the effect of missense changes on protein structure and function output the following: SIFT: "Tolerated"; PolyPhen-2: "Benign"; Align-GVGD: "Class C0". The threonine amino acid residue is found in multiple mammalian species, suggesting that this missense change does not adversely affect protein function. These predictions have not been confirmed by published functional studies and their clinical significance is uncertain. In summary, the available evidence is currently insufficient to determine the role of this variant in disease. Therefore, it has been classified as a Variant of Uncertain Significance.